The following is an entry in ClinVar:

NM_000455.5(STK11):c.930G>C (p.Arg310=)

Gene: STK11 (serine/threonine kinase 11; plus strand). Cytogenetic location: 19p13.3.
Variant type: single nucleotide variant.
Coding change: c.930G>C on transcript NM_000455.5 (MANE Select); coding-DNA position 930, G replaced by C.
Protein change: p.Arg310=; no amino-acid change (arginine 310 retained).
Molecular consequence: synonymous variant. On other transcripts: non-coding transcript variant (1).
Genome position (GRCh38, 1-based): chr19:1,222,994, G>C. VCF-style: chr19-1222994-G-C. GRCh37 (hg19) VCF-style: chr19-1222993-G-C.
Other names: c.930G>C, p.Arg310= (NM_001407255.1).
Identifiers: ClinVar variation 1692442 (VCV001692442.8), dbSNP rs2080795732, ClinGen allele CA504707720.

ClinVar aggregate classification (germline): Benign/Likely benign. Review status: criteria provided, multiple submitters, no conflicts (2 of 4 stars). 4 submissions from 4 submitters: Benign (1); Likely benign (3). Last evaluated 2025-03-28.

Conditions:
Peutz-Jeghers syndrome (PJS). Also called: Peutz-Jeghers polyposis; Periorificial lentiginosis syndrome; POLYPOSIS, HAMARTOMATOUS INTESTINAL; POLYPS-AND-SPOTS SYNDROME. Identifiers: Orphanet 2869, MedGen C0031269, MeSH D010580, MONDO:0008280, OMIM 175200.
Hereditary cancer-predisposing syndrome. Also called: Neoplastic Syndromes, Hereditary; Hereditary Cancer Syndrome; Tumor predisposition; Hereditary neoplastic syndrome. Identifiers: Orphanet 140162, MedGen C0027672, MeSH D009386, MONDO:0015356.

Allele frequency attached by ClinVar (database versions not stated): gnomAD exomes below 0.00001.
gnomAD v4.1: 1 of 1,556,846 alleles (0.000064%); highest among the groups gnomAD compares: Non-Finnish European, 0.000087%; no homozygotes.

Submissions (4):

Myriad Genetics, Inc.
Classification: Benign for Peutz-Jeghers syndrome. Last evaluated: 2025-03-28. Review status: criteria provided, single submitter. Criteria: Myriad Autosomal Dominant, Autosomal Recessive and X-Linked Classification Criteria (2023). Collection method: clinical testing. Allele origin: unknown.
Comment: This variant is considered benign. This variant is a silent/synonymous amino acid change and it is not expected to impact splicing.

Ambry Genetics
Classification: Likely benign for Hereditary cancer-predisposing syndrome. Last evaluated: 2024-08-12. Review status: criteria provided, single submitter. Criteria: Ambry Variant Classification Scheme 2023. Collection method: clinical testing. Allele origin: germline.

Labcorp Genetics (formerly Invitae), Labcorp
Classification: Likely benign for Peutz-Jeghers syndrome. Last evaluated: 2022-09-25. Review status: criteria provided, single submitter. Criteria: Invitae Variant Classification Sherloc (09022015). Collection method: clinical testing. Allele origin: germline.

Sema4
Classification: Likely benign for Hereditary cancer-predisposing syndrome. Last evaluated: 2021-10-29. Review status: criteria provided, single submitter. Criteria: Sema4 Curation Guidelines. Collection method: curation. Allele origin: germline.